The following is an entry in ClinVar:

ClinVar aggregate classification (germline): Uncertain significance (1 of 4 stars; one submission).

Allele frequency attached by ClinVar (database versions not stated): gnomAD exomes below 0.00001; TOPMed below 0.00001.
gnomAD v4.1: 1 of 1,613,916 alleles (0.000062%); highest among the groups gnomAD compares: Non-Finnish European, 0.000085%; no homozygotes.

Submission:

Labcorp Genetics (formerly Invitae), Labcorp
Classification: Uncertain significance. Last evaluated: 2023-05-23. Review status: criteria provided, single submitter. Criteria: Invitae Variant Classification Sherloc (09022015). Collection method: clinical testing. Allele origin: germline.
Comment: The MSRB3 gene has multiple clinically relevant transcripts. This variant occurs in alternate transcript NM_001031679.2, and corresponds to NM_198080.3:c.98-18240G>A in the primary transcript. ClinVar contains an entry for this variant (Variation ID: 1536207). This variant has not been reported in the literature in individuals affected with MSRB3-related conditions. This variant is not present in population databases (gnomAD no frequency). This sequence change replaces alanine, which is neutral and non-polar, with threonine, which is neutral and polar, at codon 3 of the MSRB3 protein (p.Ala3Thr). In summary, the available evidence is currently insufficient to determine the role of this variant in disease. Therefore, it has been classified as a Variant of Uncertain Significance. Experimental studies and prediction algorithms are not available or were not evaluated, and the functional significance of this variant is currently unknown.

NM_001031679.3(MSRB3):c.7G>A (p.Ala3Thr)

Gene: MSRB3 (methionine sulfoxide reductase B3; plus strand). Cytogenetic location: 12q14.3.
Variant type: single nucleotide variant.
Coding change: c.7G>A on transcript NM_001031679.3 (MANE Select); coding-DNA position 7, G replaced by A.
Protein change: p.Ala3Thr; replaces alanine 3 with threonine.
Molecular consequence: missense variant. On other transcripts: intron variant (1).
Genome position (GRCh38, 1-based): chr12:65,308,586, G>A. VCF-style: chr12-65308586-G-A. GRCh37 (hg19) VCF-style: chr12-65702366-G-A.
Other names: c.7G>A, p.Ala3Thr (NM_001193460.2, NM_001193461.2); c.98-18240G>A (NM_198080.4); short protein forms A3T.
Identifiers: ClinVar variation 1536207 (VCV001536207.8), dbSNP rs1460959351, ClinGen allele CA385671400.